The following is an entry in ClinVar:

NC_000019.9:g.(?_18174666)_(18179356_?)del

Gene: IL12RB1 (interleukin 12 receptor subunit beta 1; minus strand). Cytogenetic location: 19p13.11.
Variant type: Deletion.
Identifiers: ClinVar variation 1411373 (VCV001411373.6).

ClinVar aggregate classification (germline): Uncertain significance (1 of 4 stars; one submission).

Conditions:
Mendelian susceptibility to mycobacterial diseases due to complete IL12RB1 deficiency. Also called: IL12RB1 DEFICIENCY; Immunodeficiency 30. Identifiers: Orphanet 319552, MedGen C4013949, MONDO:0013955, OMIM 614891.

Submission:

Labcorp Genetics (formerly Invitae), Labcorp
Classification: Uncertain significance for Mendelian susceptibility to mycobacterial diseases due to complete IL12RB1 deficiency. Last evaluated: 2020-11-15. Review status: criteria provided, single submitter. Criteria: Invitae Variant Classification Sherloc (09022015). Collection method: clinical testing. Allele origin: germline.
Comment: In summary, the available evidence is currently insufficient to determine the role of this variant in disease. Therefore, it has been classified as a Variant of Uncertain Significance. Experimental studies and prediction algorithms are not available or were not evaluated, and the functional significance of this variant is currently unknown. This variant has not been reported in the literature in individuals with IL12RB1-related conditions. This variant is a gross deletion of the genomic region encompassing exon(s) 11-13 of the IL12RB1 gene. This variant would be expected to be in-frame, preserving the integrity of the reading frame.